The following is an entry in ClinVar:

NM_004360.5(CDH1):c.1463C>G (p.Pro488Arg)

Gene: CDH1 (cadherin 1; plus strand). Cytogenetic location: 16q22.1.
Variant type: single nucleotide variant.
Coding change: c.1463C>G on transcript NM_004360.5 (MANE Select); coding-DNA position 1463, C replaced by G.
Protein change: p.Pro488Arg; replaces proline 488 with arginine.
Molecular consequence: missense variant. On other transcripts: 5 prime UTR variant (2).
Genome position (GRCh38, 1-based): chr16:68,815,657, C>G. VCF-style: chr16-68815657-C-G. GRCh37 (hg19) VCF-style: chr16-68849560-C-G.
Other names: c.1280C>G, p.Pro427Arg (NM_001317184.2); c.-86C>G (NM_001317185.2); c.-357C>G (NM_001317186.2); short protein forms P427R, P488R.
Identifiers: ClinVar variation 2744405 (VCV002744405.3), dbSNP rs2152134962, ClinGen allele CA396463111.

ClinVar aggregate classification (germline): Uncertain significance (1 of 4 stars; one submission).

Conditions:
Hereditary diffuse gastric adenocarcinoma (HDGC). Also called: DIFFUSE GASTRIC AND LOBULAR BREAST CANCER SYNDROME. Identifiers: Orphanet 26106, MedGen C1708349, MONDO:0007648, OMIM 137215.

Submission:

Labcorp Genetics (formerly Invitae), Labcorp
Classification: Uncertain significance for Hereditary diffuse gastric adenocarcinoma. Last evaluated: 2023-07-17. Review status: criteria provided, single submitter. Criteria: Invitae Variant Classification Sherloc (09022015). Collection method: clinical testing. Allele origin: germline.
Comment: In summary, the available evidence is currently insufficient to determine the role of this variant in disease. Therefore, it has been classified as a Variant of Uncertain Significance. An algorithm developed to predict the effect of missense changes on protein structure and function (PolyPhen-2) suggests that this variant is likely to be disruptive. This variant has not been reported in the literature in individuals affected with CDH1-related conditions. This variant is not present in population databases (gnomAD no frequency). This sequence change replaces proline, which is neutral and non-polar, with arginine, which is basic and polar, at codon 488 of the CDH1 protein (p.Pro488Arg).